The following is an entry in ClinVar:

ClinVar aggregate classification (germline): Pathogenic/Likely pathogenic. Review status: criteria provided, multiple submitters, no conflicts (2 of 4 stars). 2 submissions from 2 submitters: Pathogenic (1); Likely pathogenic (1). Last evaluated 2025-09-10.

Conditions:
TAF4-related disorders.

Submissions (2):

GeneDx
Classification: Pathogenic. Last evaluated: 2025-09-10. Review status: criteria provided, single submitter. Criteria: GeneDx Variant Classification Process June 2021. Collection method: clinical testing. Allele origin: germline. Affected: yes.
Comment: Frameshift variant predicted to result in protein truncation or nonsense mediated decay in a gene for which loss of function is a known mechanism of disease; Not observed at significant frequency in large population cohorts (gnomAD); Has not been previously published as pathogenic or benign to our knowledge

Blueprint Genetics
Classification: Likely pathogenic for TAF4-related disorders. Last evaluated: 2024-11-26. Review status: criteria provided, single submitter. Criteria: ACMG Guidelines, 2015. Collection method: clinical testing. Allele origin: germline. Affected: yes. Observed: 1 variant allele.

NM_003185.4(TAF4):c.983_1013del (p.Gln328fs)

Genes: MIR3195 (microRNA 3195; plus strand), TAF4 (TATA-box binding protein associated factor 4; minus strand). Cytogenetic location: 20q13.33.
Variant type: Deletion.
Coding change: c.983_1013del on transcript NM_003185.4 (MANE Select); coding-DNA positions 983 to 1013, 31 bases deleted.
Protein change: p.Gln328fs; shifts the reading frame from glutamine 328.
Molecular consequence: frameshift variant.
Genome position (GRCh38, 1-based): chr20:62,064,798-62,064,828, 31 bases deleted; deleting any 31 consecutive bases within chr20:62,064,798-62,064,831 gives the same sequence; the c. name uses the placement nearest the transcript's 3' end. GRCh37 (hg19): chr20:60,639,857-60,639,887.
Other names: short protein forms Q328fs.
Identifiers: ClinVar variation 3372427 (VCV003372427.3).
Genomic context (GRCh38, chr20:62,064,797, plus strand): 5'-CGCCGCCGGGGGCGCCGCCTGCACCACCCTCTTGGGCGACTCGGCCTTGACCCCCGGCGC[CGGCGCCGCAGCCGCCGCGCCGGGCCCGGGTT>C]GGCCGCTGACCCCCGCGGGGCCCCCGGCGGCCGGGGCGGGGGCGGGGGCTGCCCCGGCGC-3'